The following is an entry in ClinVar:

ClinVar aggregate classification (germline): Uncertain significance. Review status: criteria provided, multiple submitters, no conflicts (2 of 4 stars). 2 submissions from 2 submitters: Uncertain significance (2). Last evaluated 2024-07-02.

Conditions:
Early-infantile DEE. Also called: Ohtahara syndrome; Early infantile epileptic encephalopathy with suppression bursts; Early infantile epileptic encephalopathy. Identifiers: Orphanet 1934, MedGen C0393706, MONDO:0800491.
Inborn genetic diseases. Identifiers: MedGen C0950123, MeSH D030342.

Allele frequency attached by ClinVar (database versions not stated): TOPMed 0.00001.

Submissions (2):

Ambry Genetics
Classification: Uncertain significance for Inborn genetic diseases. Last evaluated: 2024-07-02. Review status: criteria provided, single submitter. Criteria: Ambry Variant Classification Scheme 2023. Collection method: clinical testing. Allele origin: germline.

Labcorp Genetics (formerly Invitae), Labcorp
Classification: Uncertain significance for Early-infantile DEE. Last evaluated: 2023-09-21. Review status: criteria provided, single submitter. Criteria: Invitae Variant Classification Sherloc (09022015). Collection method: clinical testing. Allele origin: germline.
Comment: In summary, the available evidence is currently insufficient to determine the role of this variant in disease. Therefore, it has been classified as a Variant of Uncertain Significance. An algorithm developed to predict the effect of missense changes on protein structure and function (PolyPhen-2) suggests that this variant is likely to be disruptive. This variant has not been reported in the literature in individuals affected with KCNH5-related conditions. This variant is not present in population databases (gnomAD no frequency). This sequence change replaces cysteine, which is neutral and slightly polar, with serine, which is neutral and polar, at codon 636 of the KCNH5 protein (p.Cys636Ser).

NM_139318.5(KCNH5):c.1906T>A (p.Cys636Ser)

Gene: KCNH5 (potassium voltage-gated channel subfamily H member 5; minus strand). Cytogenetic location: 14q23.2.
Variant type: single nucleotide variant.
Coding change: c.1906T>A on transcript NM_139318.5 (MANE Select); coding-DNA position 1906, T replaced by A.
Protein change: p.Cys636Ser; replaces cysteine 636 with serine.
Molecular consequence: missense variant. On other transcripts: intron variant (1).
Genome position (GRCh38, 1-based): chr14:62,779,841, A>T on the plus strand (T>A on the coding strand, the complement: KCNH5 is on the minus strand). VCF-style: chr14-62779841-A-T. GRCh37 (hg19) VCF-style: chr14-63246559-A-T.
Other names: c.1906T>A (NM_139318.3); c.1822+22488T>A (NM_172375.3); short protein forms C636S.
Identifiers: ClinVar variation 2703455 (VCV002703455.4), dbSNP rs1886171628, ClinGen allele CA390099249.
Genomic context (GRCh38, chr14:62,779,841, plus strand): 5'-AAGCTGTATAAAAGTCCAGGACTTTGAGCAAGGCTTCCCGCTTGATGATGTGTAGGTCAC[A>T]GTACGTCAGTGCCCGGACGTTCGCACATGCATGGGCAAGGGTGGTTTCCTTCCAGAAGAT-3'
Protein context (NP_647479.2, residues 626-646): ACANVRALTY[Cys636Ser]DLHIIKREAL